The following is an entry in ClinVar:

NM_006565.4(CTCF):c.1639G>A (p.Asp547Asn)

Gene: CTCF (CCCTC-binding factor; plus strand). Cytogenetic location: 16q22.1.
Variant type: single nucleotide variant.
Coding change: c.1639G>A on transcript NM_006565.4 (MANE Select); coding-DNA position 1639, G replaced by A.
Protein change: p.Asp547Asn; replaces aspartic acid 547 with asparagine.
Molecular consequence: missense variant.
Genome position (GRCh38, 1-based): chr16:67,628,490, G>A. VCF-style: chr16-67628490-G-A. GRCh37 (hg19) VCF-style: chr16-67662393-G-A.
Other names: c.655G>A, p.Asp219Asn (NM_001191022.2); c.1639G>A, p.Asp547Asn (NM_001363916.2); short protein forms D219N, D547N.
Identifiers: ClinVar variation 1712186 (VCV001712186.2), dbSNP rs147269638, ClinGen allele CA283177504.

ClinVar aggregate classification (germline): Uncertain significance (1 of 4 stars; one submission).

Allele frequency attached by ClinVar (database versions not stated): gnomAD exomes below 0.00001; gnomAD 0.00001; ESP Exome Variant Server 0.00008.

Submission:

GeneDx
Classification: Uncertain significance. Last evaluated: 2022-04-18. Review status: criteria provided, single submitter. Criteria: GeneDx Variant Classification Process June 2021. Collection method: clinical testing. Allele origin: germline. Affected: yes.
Comment: Not observed at significant frequency in large population cohorts (gnomAD); In silico analysis supports that this missense variant does not alter protein structure/function; Has not been previously published as pathogenic or benign to our knowledge